The following is an entry in ClinVar:

NM_020347.4(LZTFL1):c.324A>G (p.Arg108=)

Gene: LZTFL1 (leucine zipper transcription factor like 1; minus strand). Cytogenetic location: 3p21.31.
Variant type: single nucleotide variant.
Coding change: c.324A>G on transcript NM_020347.4 (MANE Select); coding-DNA position 324, A replaced by G.
Protein change: p.Arg108=; no amino-acid change (arginine 108 retained).
Molecular consequence: synonymous variant. On other transcripts: non-coding transcript variant (2).
Genome position (GRCh38, 1-based): chr3:45,834,298, T>C on the plus strand (A>G on the coding strand, the complement: LZTFL1 is on the minus strand). VCF-style: chr3-45834298-T-C. GRCh37 (hg19) VCF-style: chr3-45875790-T-C.
Other names: c.273A>G, p.Arg91= (NM_001276378.2, NM_001386451.1, NM_001405922.1 and 4 more transcripts); c.312A>G, p.Arg104= (NM_001276379.2, NM_001405921.1); c.324A>G, p.Arg108= (NM_001386452.1, NM_001405924.1); c.348A>G, p.Arg116= (NM_001405920.1, NM_001405925.1).
Identifiers: ClinVar variation 3354337 (VCV003354337.3).

ClinVar aggregate classification (germline): Uncertain significance. Review status: criteria provided, multiple submitters, no conflicts (2 of 4 stars). 3 submissions from 3 submitters: Uncertain significance (2). 1 of the submissions does not count toward it. Last evaluated 2024-02-10.

Conditions:
LZTFL1-related disorder. Also called: LZTFL1-related condition.
Bardet-Biedl syndrome 17 (BBS17). Identifiers: Orphanet 110, MedGen C3714980, MONDO:0014445, OMIM 615994.

gnomAD v4.1: 4 of 1,565,024 alleles (0.00026%); highest among the groups gnomAD compares: Non-Finnish European, 0.00035%; no homozygotes.

Submissions (3):

Fulgent Genetics
Classification: Uncertain significance for Bardet-Biedl syndrome 17. Last evaluated: 2024-02-10. Review status: criteria provided, single submitter. Criteria: ACMG Guidelines, 2015. Collection method: clinical testing. Allele origin: germline.

Blueprint Genetics
Classification: Uncertain significance. Last evaluated: 2022-11-21. Review status: criteria provided, single submitter. Criteria: ACMG Guidelines, 2015. Collection method: clinical testing. Allele origin: germline.

PreventionGenetics, part of Exact Sciences
Classification: Likely benign for LZTFL1-related condition. Last evaluated: 2024-03-29. Review status: no assertion criteria provided. Collection method: clinical testing. Allele origin: germline. Not counted in ClinVar's aggregate classification.
Comment: This variant is classified as likely benign based on ACMG/AMP sequence variant interpretation guidelines (Richards et al. 2015 PMID: 25741868, with internal and published modifications).